The following is an entry in ClinVar:

NM_022041.4(GAN):c.282G>A (p.Gln94=)

Gene: GAN (gigaxonin; plus strand). Cytogenetic location: 16q23.2.
Variant type: single nucleotide variant.
Coding change: c.282G>A on transcript NM_022041.4 (MANE Select); coding-DNA position 282, G replaced by A.
Protein change: p.Gln94=; no amino-acid change (glutamine 94 retained).
Molecular consequence: synonymous variant. On other transcripts: intron variant (1).
Genome position (GRCh38, 1-based): chr16:81,351,697, G>A. VCF-style: chr16-81351697-G-A. GRCh37 (hg19) VCF-style: chr16-81385302-G-A.
Other names: c.-357-2708G>A (NM_001377486.1).
Identifiers: ClinVar variation 1007025 (VCV001007025.7), dbSNP rs1039007762, ClinGen allele CA284301122.
Genomic context (GRCh38, chr16:81,351,697, plus strand): 5'-ACTTGAAGGGATATCGGTAATGGTTATGAGAGAGATCCTGGATTACATCTTCAGTGGGCA[G>A]GTATGATGAGAAACAAAGGAAGGAAGACCTAAGTAGAGGCTTCTCAAGCTCAGGGTGAGG-3'
Protein context (NP_071324.1, residues 84-104): REILDYIFSG[Gln94=]IRLNEDTIQD

ClinVar aggregate classification (germline): Uncertain significance (1 of 4 stars; one submission).

Conditions:
Giant axonal neuropathy 1 (GAN1). Also called: GIANT AXONAL NEUROPATHY 1, AUTOSOMAL RECESSIVE; GAN-Related Neurodegeneration. Identifiers: Orphanet 643, MedGen C1850386, MONDO:0009749, OMIM 256850.

Allele frequency attached by ClinVar (database versions not stated): gnomAD exomes below 0.00001; gnomAD 0.00001; TOPMed 0.00002.
gnomAD v4.1: 4 of 1,344,446 alleles (0.0003%); highest among the groups gnomAD compares: African/African-American, 0.0014%; no homozygotes.

Submission:

Labcorp Genetics (formerly Invitae), Labcorp
Classification: Uncertain significance for Giant axonal neuropathy 1. Last evaluated: 2021-10-05. Review status: criteria provided, single submitter. Criteria: Invitae Variant Classification Sherloc (09022015). Collection method: clinical testing. Allele origin: germline.
Comment: This sequence change affects codon 94 of the GAN mRNA. It is a 'silent' change, meaning that it does not change the encoded amino acid sequence of the GAN protein. This variant also falls at the last nucleotide of exon 2 of the GAN coding sequence, which is part of the consensus splice site for this exon. This variant is not present in population databases (ExAC no frequency). This variant has not been reported in the literature in individuals with GAN-related conditions. Nucleotide substitutions within the consensus splice site are a relatively common cause of aberrant splicing (PMID: 17576681, 9536098). Algorithms developed to predict the effect of sequence changes on RNA splicing suggest that this variant may disrupt the consensus splice site, but this prediction has not been confirmed by published transcriptional studies. In summary, the available evidence is currently insufficient to determine the role of this variant in disease. Therefore, it has been classified as a Variant of Uncertain Significance.

Literature cited by the submitters: PubMed 17576681; PubMed 9536098.